The following is an entry in ClinVar:

NM_024312.5(GNPTAB):c.887_893del (p.Thr296fs)

Gene: GNPTAB (N-acetylglucosamine-1-phosphate transferase subunits alpha and beta; minus strand). Cytogenetic location: 12q23.2.
Variant type: Deletion.
Coding change: c.887_893del on transcript NM_024312.5 (MANE Select); coding-DNA positions 887 to 893, 7 bases deleted (CCATAAG; older notation c.887_893delCCATAAG).
Protein change: p.Thr296fs; shifts the reading frame from threonine 296.
Molecular consequence: frameshift variant.
Genome position (GRCh38, 1-based): chr12:101,771,036-101,771,042, CTTATGG deleted on the plus strand (CCATAAG on the coding strand, the reverse complement: GNPTAB is on the minus strand). VCF-style (leftmost placement, unchanged base first): chr12-101771035-ACTTATGG-A. GRCh37 (hg19) VCF-style: chr12-102164813-ACTTATGG-A.
Other names: short protein forms T296fs.
Identifiers: ClinVar variation 5014508 (VCV005014508.1).

ClinVar aggregate classification (germline): Pathogenic (1 of 4 stars; one submission).

Conditions:
GNPTAB-mucolipidosis. Also called: UDP-N-acetylglucosamine-1-phosphotransferase subunit alpha/beta deficiency. Identifiers: MedGen CN322573, MONDO:0100122.

Submission:

Myriad Genetics, Inc.
Classification: Pathogenic for GNPTAB-mucolipidosis. Last evaluated: 2025-05-24. Review status: criteria provided, single submitter. Criteria: Myriad Autosomal Dominant, Autosomal Recessive and X-Linked Classification Criteria (2023). Collection method: clinical testing. Allele origin: unknown.
Comment: NM_024312.4(GNPTAB):c.887_893del7(T296Ifs*9) is expected to be pathogenic in the context of GNPTAB-related disorders. This variant is predicted to lead to an abnormal or absent protein product due to the creation of a premature termination codon in GNPTAB, a gene where loss-of-function variants are known to be pathogenic. Please note: this variant was assessed in the context of healthy population screening.